The following is an entry in ClinVar:

NM_144687.4(NLRP12):c.2588T>A (p.Leu863Gln)

Gene: NLRP12 (NLR family pyrin domain containing 12; minus strand). Cytogenetic location: 19q13.42.
Variant type: single nucleotide variant.
Coding change: c.2588T>A on transcript NM_144687.4 (MANE Select); coding-DNA position 2588, T replaced by A.
Protein change: p.Leu863Gln; replaces leucine 863 with glutamine.
Molecular consequence: missense variant.
Genome position (GRCh38, 1-based): chr19:53,801,395, A>T on the plus strand (T>A on the coding strand, the complement: NLRP12 is on the minus strand). VCF-style: chr19-53801395-A-T. GRCh37 (hg19) VCF-style: chr19-54304649-A-T.
Other names: c.2591T>A, p.Leu864Gln (NM_001277126.2); c.2588T>A, p.Leu863Gln (NM_001277129.1); short protein forms L864Q, L863Q.
Identifiers: ClinVar variation 4693708 (VCV004693708.1).

ClinVar aggregate classification (germline): Uncertain significance (1 of 4 stars; one submission).

Conditions:
Familial cold autoinflammatory syndrome 2 (FCAS2). Identifiers: Orphanet 247868, MedGen C2673198, MONDO:0012724, OMIM 611762.

gnomAD v4.1: 5 of 1,612,610 alleles (0.00031%); highest among the groups gnomAD compares: Non-Finnish European, 0.00042%; no homozygotes.

Submission:

Labcorp Genetics (formerly Invitae), Labcorp
Classification: Uncertain significance for Familial cold autoinflammatory syndrome 2. Last evaluated: 2025-11-01. Review status: criteria provided, single submitter. Criteria: Invitae Variant Classification Sherloc (09022015). Collection method: clinical testing. Allele origin: germline.
Comment: This sequence change replaces leucine, which is neutral and non-polar, with glutamine, which is neutral and polar, at codon 863 of the NLRP12 protein (p.Leu863Gln). This variant is present in population databases (no rsID available, gnomAD 0.003%). This variant has not been reported in the literature in individuals affected with NLRP12-related conditions. An algorithm developed to predict the effect of missense changes on protein structure and function (PolyPhen-2) suggests that this variant is likely to be disruptive. In summary, the available evidence is currently insufficient to determine the role of this variant in disease. Therefore, it has been classified as a Variant of Uncertain Significance.